The following is an entry in ClinVar:

ClinVar aggregate classification (germline): Uncertain significance (1 of 4 stars; one submission).

Conditions:
Saldino-Mainzer syndrome (SRTD9). Also called: CONORENAL SYNDROME; Renal dysplasia, retinal pigmentary dystrophy, cerebellar ataxia and skeletal dysplasia; SHORT-RIB THORACIC DYSPLASIA 9 WITHOUT POLYDACTYLY; short-rib thoracic dysplasia 9 with or without polydactyly. Identifiers: Orphanet 140969, MedGen C1849437, MONDO:0009964, OMIM 266920.

gnomAD v4.1: 2 of 1,613,808 alleles (0.00012%); highest among the groups gnomAD compares: Admixed American, 0.0017%; no homozygotes.

Submission:

Labcorp Genetics (formerly Invitae), Labcorp
Classification: Uncertain significance for Saldino-Mainzer syndrome. Last evaluated: 2022-03-15. Review status: criteria provided, single submitter. Criteria: Invitae Variant Classification Sherloc (09022015). Collection method: clinical testing. Allele origin: germline.
Comment: This sequence change replaces aspartic acid, which is acidic and polar, with histidine, which is basic and polar, at codon 282 of the IFT140 protein (p.Asp282His). This variant is present in population databases (no rsID available, gnomAD no frequency). This variant has not been reported in the literature in individuals affected with IFT140-related conditions. Algorithms developed to predict the effect of missense changes on protein structure and function (SIFT, PolyPhen-2, Align-GVGD) all suggest that this variant is likely to be tolerated. In summary, the available evidence is currently insufficient to determine the role of this variant in disease. Therefore, it has been classified as a Variant of Uncertain Significance.

NM_014714.4(IFT140):c.844G>C (p.Asp282His)

Genes: IFT140 (intraflagellar transport 140; minus strand), LOC105371046 (uncharacterized LOC105371046; plus strand). Cytogenetic location: 16p13.3.
Variant type: single nucleotide variant.
Coding change: c.844G>C on transcript NM_014714.4 (MANE Select); coding-DNA position 844, G replaced by C.
Protein change: p.Asp282His; replaces aspartic acid 282 with histidine.
Molecular consequence: missense variant.
Genome position (GRCh38, 1-based): chr16:1,587,991, C>G on the plus strand (G>C on the coding strand, the complement: IFT140 is on the minus strand). VCF-style: chr16-1587991-C-G. GRCh37 (hg19) VCF-style: chr16-1637992-C-G.
Other names: short protein forms D282H.
Identifiers: ClinVar variation 2112480 (VCV002112480.1), dbSNP rs1305252408, ClinGen allele CA394217710.